The following is an entry in ClinVar:

ClinVar aggregate classification (germline): Uncertain significance. Review status: criteria provided, multiple submitters, no conflicts (2 of 4 stars). 2 submissions from 2 submitters: Uncertain significance (2). Last evaluated 2025-12-24.

Conditions:
Cardiovascular phenotype. Identifiers: MedGen CN230736.

Submissions (2):

Ambry Genetics
Classification: Uncertain significance for Cardiovascular phenotype. Last evaluated: 2025-12-24. Review status: criteria provided, single submitter. Criteria: Ambry Variant Classification Scheme 2023. Collection method: clinical testing. Allele origin: germline.
Comment: The p.P177R variant (also known as c.530C>G), located in coding exon 2 of the FLNC gene, results from a C to G substitution at nucleotide position 530. The proline at codon 177 is replaced by arginine, an amino acid with dissimilar properties. This amino acid position is conserved. In addition, the in silico prediction for this alteration is inconclusive. Based on the available evidence, the clinical significance of this variant remains unclear.

GeneDx
Classification: Uncertain significance. Last evaluated: 2025-04-16. Review status: criteria provided, single submitter. Criteria: GeneDx Variant Classification Process June 2021. Collection method: clinical testing. Allele origin: germline. Affected: yes.
Comment: Not observed at significant frequency in large population cohorts (gnomAD); In silico analysis supports that this missense variant has a deleterious effect on protein structure/function; Has not been previously published as pathogenic or benign to our knowledge

NM_001458.5(FLNC):c.530C>G (p.Pro177Arg)

Gene: FLNC (filamin C; plus strand). Cytogenetic location: 7q32.1.
Variant type: single nucleotide variant.
Coding change: c.530C>G on transcript NM_001458.5 (MANE Select); coding-DNA position 530, C replaced by G.
Protein change: p.Pro177Arg; replaces proline 177 with arginine.
Molecular consequence: missense variant.
Genome position (GRCh38, 1-based): chr7:128,835,503, C>G. VCF-style: chr7-128835503-C-G. GRCh37 (hg19) VCF-style: chr7-128475557-C-G.
Other names: c.530C>G, p.Pro177Arg (NM_001127487.2); short protein forms P177R.
Identifiers: ClinVar variation 4282199 (VCV004282199.2).
Genomic context (GRCh38, chr7:128,835,503, plus strand): 5'-GCAAACAGACGCCCAAGCAGCGGCTGCTTGGCTGGATCCAGAACAAGGTGCCCCAGCTGC[C>G]CATCACCAACTTCAACCGTGACTGGCAGGACGGCAAAGCTCTGGGCGCCCTGGTGGACAA-3'
Protein context (NP_001449.3, residues 167-187): GWIQNKVPQL[Pro177Arg]ITNFNRDWQD